The following is an entry in ClinVar:

NM_001371623.1(TCOF1):c.4286T>C (p.Val1429Ala)

Gene: TCOF1 (treacle ribosome biogenesis factor 1; plus strand). Cytogenetic location: 5q32.
Variant type: single nucleotide variant.
Coding change: c.4286T>C on transcript NM_001371623.1 (MANE Select); coding-DNA position 4286, T replaced by C.
Protein change: p.Val1429Ala; replaces valine 1429 with alanine.
Molecular consequence: missense variant.
Genome position (GRCh38, 1-based): chr5:150,396,783, T>C. VCF-style: chr5-150396783-T-C. GRCh37 (hg19) VCF-style: chr5-149776346-T-C.
Other names: c.4052T>C, p.Val1351Ala (NM_000356.4); c.4283T>C, p.Val1428Ala (NM_001135243.2); c.4172T>C, p.Val1391Ala (NM_001135244.2); c.4055T>C, p.Val1352Ala (NM_001135245.2); c.4169T>C, p.Val1390Ala (NM_001195141.2); short protein forms V1351A, V1352A, V1390A, V1391A, V1428A, V1429A.
Identifiers: ClinVar variation 3253286 (VCV003253286.1), dbSNP rs147059794.
Genomic context (GRCh38, chr5:150,396,783, plus strand): 5'-TTGGCTCCCAAGGGGCCAAGGACGAGCCAGAAGAGGAGCTTCAGAAGGGGATGGGGACGG[T>C]TGAAGGTGGAGATCAAAGCAACCCAAAGAGCAAGAAGGAGAAGAAGAAATCCGACAAGAG-3'
Protein context (NP_001358552.1, residues 1419-1439): EEELQKGMGT[Val1429Ala]EGGDQSNPKS

ClinVar aggregate classification (germline): Uncertain significance (1 of 4 stars; one submission).

Allele frequency attached by ClinVar (database versions not stated): TOPMed below 0.00001; ExAC 0.00001; gnomAD exomes 0.00001; ESP Exome Variant Server 0.00008.
gnomAD v4.1: 6 of 1,610,952 alleles (0.00037%); highest among the groups gnomAD compares: Non-Finnish European, 0.00051%; no homozygotes.

Submission:

GeneDx
Classification: Uncertain significance. Last evaluated: 2024-04-12. Review status: criteria provided, single submitter. Criteria: GeneDx Variant Classification Process June 2021. Collection method: clinical testing. Allele origin: germline. Affected: yes.
Comment: In silico analysis supports that this missense variant does not alter protein structure/function; Has not been previously published as pathogenic or benign to our knowledge